The following is an entry in ClinVar:

ClinVar aggregate classification (germline): Uncertain significance (1 of 4 stars; one submission).

Conditions:
Severe combined immunodeficiency due to DNA-PKcs deficiency. Also called: IMMUNODEFICIENCY 26 WITH NEUROLOGIC ABNORMALITIES; Immunodeficiency 26 with or without neurologic abnormalities. Identifiers: Orphanet 317425, MedGen C4014833, MONDO:0014423, OMIM 615966.

Allele frequency attached by ClinVar (database versions not stated): ExAC 0.00002; gnomAD exomes 0.00002.
gnomAD v4.1: 22 of 1,613,992 alleles (0.0014%); highest among the groups gnomAD compares: East Asian, 0.049%; no homozygotes.

Submission:

Labcorp Genetics (formerly Invitae), Labcorp
Classification: Uncertain significance for Severe combined immunodeficiency due to DNA-PKcs deficiency. Last evaluated: 2023-08-08. Review status: criteria provided, single submitter. Criteria: Invitae Variant Classification Sherloc (09022015). Collection method: clinical testing. Allele origin: germline.
Comment: In summary, the available evidence is currently insufficient to determine the role of this variant in disease. Therefore, it has been classified as a Variant of Uncertain Significance. Advanced modeling of protein sequence and biophysical properties (such as structural, functional, and spatial information, amino acid conservation, physicochemical variation, residue mobility, and thermodynamic stability) performed at Invitae indicates that this missense variant is not expected to disrupt PRKDC protein function. This variant has not been reported in the literature in individuals affected with PRKDC-related conditions. This variant is present in population databases (rs747646088, gnomAD 0.02%). This sequence change replaces arginine, which is basic and polar, with lysine, which is basic and polar, at codon 3269 of the PRKDC protein (p.Arg3269Lys).

NM_006904.7(PRKDC):c.9806G>A (p.Arg3269Lys)

Gene: PRKDC (protein kinase, DNA-activated, catalytic subunit; minus strand). Cytogenetic location: 8q11.21.
Variant type: single nucleotide variant.
Coding change: c.9806G>A on transcript NM_006904.7 (MANE Select); coding-DNA position 9806, G replaced by A.
Protein change: p.Arg3269Lys; replaces arginine 3269 with lysine.
Molecular consequence: missense variant.
Genome position (GRCh38, 1-based): chr8:47,803,422, C>T on the plus strand (G>A on the coding strand, the complement: PRKDC is on the minus strand). VCF-style: chr8-47803422-C-T. GRCh37 (hg19) VCF-style: chr8-48715983-C-T.
Other names: c.9806G>A, p.Arg3269Lys (NM_001081640.2); short protein forms R3269K.
Identifiers: ClinVar variation 2994679 (VCV002994679.3), dbSNP rs747646088, ClinGen allele CA4739477.
Genomic context (GRCh38, chr8:47,803,422, plus strand): 5'-CGGCTCCGGCAGTGGCTCAGGCGGCAGTAGCTCTGCACCCAGCTCACCAGCCAATCGTCT[C>T]TGGTTTTTGACTCTTTATGCAGCTCCTTCAGTAGTTTCATAGCAAGTGAGAAATTGTTCT-3'
Protein context (NP_008835.5, residues 3259-3279): LKELHKESKT[Arg3269Lys]DDWLVSWVQS